The following is an entry in ClinVar:

NM_014875.3(KIF14):c.4247C>A (p.Ala1416Asp)

Gene: KIF14 (kinesin family member 14; minus strand). Cytogenetic location: 1q32.1.
Variant type: single nucleotide variant.
Coding change: c.4247C>A on transcript NM_014875.3 (MANE Select); coding-DNA position 4247, C replaced by A.
Protein change: p.Ala1416Asp; replaces alanine 1416 with aspartic acid.
Molecular consequence: missense variant.
Genome position (GRCh38, 1-based): chr1:200,559,436, G>T on the plus strand (C>A on the coding strand, the complement: KIF14 is on the minus strand). VCF-style: chr1-200559436-G-T. GRCh37 (hg19) VCF-style: chr1-200528564-G-T.
Other names: c.2774C>A, p.Ala925Asp (NM_001305792.1); short protein forms A925D, A1416D.
Identifiers: ClinVar variation 1033714 (VCV001033714.1), dbSNP rs372382009, ClinGen allele CA1317046.

ClinVar aggregate classification (germline): Uncertain significance (1 of 4 stars; one submission).

Conditions:
Microcephaly 20, primary, autosomal recessive. Identifiers: MedGen C4693572, MONDO:0054761, OMIM 617914.

Allele frequency attached by ClinVar (database versions not stated): TOPMed 0.00001.
gnomAD v4.1: 15 of 1,529,164 alleles (0.00098%); highest among the groups gnomAD compares: Non-Finnish European, 0.0013%; no homozygotes.

Submission:

Baylor Genetics
Classification: Uncertain significance for Microcephaly 20, primary, autosomal recessive. Last evaluated: 2018-08-30. Review status: criteria provided, single submitter. Criteria: ACMG Guidelines, 2015. Collection method: clinical testing. Allele origin: maternal. Affected: yes.
Comment: This variant was determined to be of uncertain significance according to ACMG Guidelines, 2015 [PMID:25741868].